The following is an entry in ClinVar:

NM_003972.3(BTAF1):c.5074C>T (p.Arg1692Trp)

Gene: BTAF1 (B-TFIID TATA-box binding protein associated factor 1; plus strand). Cytogenetic location: 10q23.32.
Variant type: single nucleotide variant.
Coding change: c.5074C>T on transcript NM_003972.3 (MANE Select); coding-DNA position 5074, C replaced by T.
Protein change: p.Arg1692Trp; replaces arginine 1692 with tryptophan.
Molecular consequence: missense variant. On other transcripts: non-coding transcript variant (14).
Genome position (GRCh38, 1-based): chr10:92,024,966, C>T. VCF-style: chr10-92024966-C-T. GRCh37 (hg19) VCF-style: chr10-93784723-C-T.
Other names: short protein forms R1692W.
Identifiers: ClinVar variation 5020616 (VCV005020616.1).

ClinVar aggregate classification (germline): Uncertain significance (1 of 4 stars; one submission).

gnomAD v4.1: 20 of 1,612,598 alleles (0.0012%); highest among the groups gnomAD compares: East Asian, 0.011%; no homozygotes.

Submission:

Dasa
Classification: Uncertain significance. Last evaluated: 2026-05-06. Review status: criteria provided, single submitter. Criteria: DASA Assertion Criteria. Collection method: clinical testing. Allele origin: germline.
Comment: NM_003972.3(BTAF1):c.5074C>T (p.Arg1692Trp) is a missense variant that results in the substitution of arginine with tryptophan. This variant is rare in population databases. Computational prediction algorithms are consistent with a deleterious effect. The currently available literature and clinical evidence are not sufficient to establish a definitive association between this variant and the reported condition. Therefore, this variant is classified as a variant of uncertain significance.